The following is an entry in ClinVar:

NM_138694.4(PKHD1):c.3300del (p.Phe1100fs)

Gene: PKHD1 (PKHD1 ciliary IPT domain containing fibrocystin/polyductin; minus strand). Cytogenetic location: 6p12.2.
Variant type: Deletion.
Coding change: c.3300del on transcript NM_138694.4 (MANE Select); coding-DNA position 3300, one base deleted (T; older notation c.3300delT).
Protein change: p.Phe1100fs; shifts the reading frame from phenylalanine 1100.
Molecular consequence: frameshift variant.
Genome position (GRCh38, 1-based): chr6:52,033,094, A deleted on the plus strand (T on the coding strand, the reverse complement: PKHD1 is on the minus strand); the first of 3 consecutive A bases (chr6:52,033,094-52,033,096); deleting any one gives the same sequence. VCF-style (leftmost placement, unchanged base first): chr6-52033093-TA-T. GRCh37 (hg19) VCF-style: chr6-51897891-TA-T.
Other names: c.3300del, p.Phe1100fs (NM_170724.3); short protein forms F1100fs.
Identifiers: ClinVar variation 2700611 (VCV002700611.3), dbSNP rs2532873314, ClinGen allele CA2679082863.

ClinVar aggregate classification (germline): Pathogenic (1 of 4 stars; one submission).

Conditions:
Autosomal recessive polycystic kidney disease (ARPKD). Also called: AR polycystic kidney disease. Identifiers: Orphanet 731, Orphanet 8378, MedGen C0085548, MeSH D017044, MONDO:0009889.

Submission:

Labcorp Genetics (formerly Invitae), Labcorp
Classification: Pathogenic for Autosomal recessive polycystic kidney disease. Last evaluated: 2023-12-03. Review status: criteria provided, single submitter. Criteria: Invitae Variant Classification Sherloc (09022015). Collection method: clinical testing. Allele origin: germline.
Comment: This sequence change creates a premature translational stop signal (p.Phe1100Leufs*7) in the PKHD1 gene. It is expected to result in an absent or disrupted protein product. Loss-of-function variants in PKHD1 are known to be pathogenic (PMID: 19940839). This variant is not present in population databases (gnomAD no frequency). This variant has not been reported in the literature in individuals affected with PKHD1-related conditions. For these reasons, this variant has been classified as Pathogenic.

Literature cited by the submitters: PubMed 19940839.